The following is an entry in ClinVar:

ClinVar aggregate classification (germline): Uncertain significance. Review status: criteria provided, multiple submitters, no conflicts (2 of 4 stars). 2 submissions from 2 submitters: Uncertain significance (2). Last evaluated 2024-10-17.

Conditions:
Autosomal dominant polycystic kidney disease. Identifiers: Orphanet 730, MedGen C0085413, MONDO:0004691.

Allele frequency attached by ClinVar (database versions not stated): ExAC 0.00009; 1000 Genomes Project 30x 0.00016; 1000 Genomes Project 0.00020.
gnomAD v4.1: 2 of 1,503,598 alleles (0.00013%); highest among the groups gnomAD compares: Admixed American, 0.0042%; no homozygotes.

Submissions (2):

Labcorp Genetics (formerly Invitae), Labcorp
Classification: Uncertain significance for Autosomal dominant polycystic kidney disease. Last evaluated: 2024-10-17. Review status: criteria provided, single submitter. Criteria: Invitae Variant Classification Sherloc (09022015). Collection method: clinical testing. Allele origin: germline.
Comment: This sequence change replaces serine, which is neutral and polar, with tryptophan, which is neutral and slightly polar, at codon 80 of the PKD2 protein (p.Ser80Trp). This variant is present in population databases (rs568249293, gnomAD 0.005%). This variant has not been reported in the literature in individuals affected with PKD2-related conditions. ClinVar contains an entry for this variant (Variation ID: 2082942). An algorithm developed to predict the effect of missense changes on protein structure and function (PolyPhen-2) suggests that this variant is likely to be disruptive. In summary, the available evidence is currently insufficient to determine the role of this variant in disease. Therefore, it has been classified as a Variant of Uncertain Significance.

Breakthrough Genomics
Classification: Uncertain significance. Review status: criteria provided, single submitter. Criteria: ACMG Guidelines, 2015. Collection method: not provided. Allele origin: germline. Inheritance: Autosomal dominant inheritance. Affected: yes.

NM_000297.4(PKD2):c.239C>G (p.Ser80Trp)

Genes: PKD2 (polycystin 2, transient receptor potential cation channel; plus strand), LOC129992813 (ATAC-STARR-seq lymphoblastoid silent region 15559; plus strand). Cytogenetic location: 4q22.1.
Variant type: single nucleotide variant.
Coding change: c.239C>G on transcript NM_000297.4 (MANE Select); coding-DNA position 239, C replaced by G.
Protein change: p.Ser80Trp; replaces serine 80 with tryptophan.
Molecular consequence: missense variant. On other transcripts: non-coding transcript variant (1).
Genome position (GRCh38, 1-based): chr4:88,007,972, C>G. VCF-style: chr4-88007972-C-G. GRCh37 (hg19) VCF-style: chr4-88929124-C-G.
Other names: short protein forms S80W.
Identifiers: ClinVar variation 2082942 (VCV002082942.5), dbSNP rs568249293, ClinGen allele CA3003720.
Genomic context (GRCh38, chr4:88,007,972, plus strand): 5'-GGCAGGCGGCCGCGCGGGACCCCCCGGCCGGAGCCGCGGCCTCCCCTTCTCCTCCGCTCT[C>G]GTCGTGCTCCCGGCAGGCGTGGAGCCGCGATAACCCCGGCTTCGAGGCCGAGGAGGAGGA-3'
Protein context (NP_000288.1, residues 70-90): GAAASPSPPL[Ser80Trp]SCSRQAWSRD